The following is an entry in ClinVar:

NM_005431.2(XRCC2):c.427C>T (p.Leu143Phe)

Gene: XRCC2 (X-ray repair cross complementing 2; minus strand). Cytogenetic location: 7q36.1.
Variant type: single nucleotide variant.
Coding change: c.427C>T on transcript NM_005431.2 (MANE Select); coding-DNA position 427, C replaced by T.
Protein change: p.Leu143Phe; replaces leucine 143 with phenylalanine.
Molecular consequence: missense variant.
Genome position (GRCh38, 1-based): chr7:152,649,058, G>A on the plus strand (C>T on the coding strand, the complement: XRCC2 is on the minus strand). VCF-style: chr7-152649058-G-A. GRCh37 (hg19) VCF-style: chr7-152346143-G-A.
Other names: short protein forms L143F.
Identifiers: ClinVar variation 3224675 (VCV003224675.1), dbSNP rs2116987885, ClinGen allele CA370198720.

ClinVar aggregate classification (germline): Uncertain significance (1 of 4 stars; one submission).

Conditions:
Hereditary cancer-predisposing syndrome. Also called: Tumor predisposition; Hereditary neoplastic syndrome; Hereditary Cancer Syndrome; Neoplastic Syndromes, Hereditary. Identifiers: Orphanet 140162, MedGen C0027672, MeSH D009386, MONDO:0015356.

Submission:

Ambry Genetics
Classification: Uncertain significance for Hereditary cancer-predisposing syndrome. Last evaluated: 2024-01-09. Review status: criteria provided, single submitter. Criteria: Ambry Variant Classification Scheme 2023. Collection method: clinical testing. Allele origin: germline.
Comment: The p.L143F variant (also known as c.427C>T), located in coding exon 3 of the XRCC2 gene, results from a C to T substitution at nucleotide position 427. The leucine at codon 143 is replaced by phenylalanine, an amino acid with highly similar properties. This amino acid position is conserved. In addition, this alteration is predicted to be tolerated by in silico analysis. Since supporting evidence is limited at this time, the clinical significance of this alteration remains unclear.